The following is an entry in ClinVar:

NM_003193.5(TBCE):c.581C>T (p.Pro194Leu)

Gene: TBCE (tubulin folding cofactor E; plus strand). Cytogenetic location: 1q42.3.
Variant type: single nucleotide variant.
Coding change: c.581C>T on transcript NM_003193.5 (MANE Select); coding-DNA position 581, C replaced by T.
Protein change: p.Pro194Leu; replaces proline 194 with leucine.
Molecular consequence: missense variant.
Genome position (GRCh38, 1-based): chr1:235,430,725, C>T. VCF-style: chr1-235430725-C-T. GRCh37 (hg19) VCF-style: chr1-235594040-C-T.
Other names: c.581C>T, p.Pro194Leu (NM_001079515.3, NM_001287801.2); c.242C>T, p.Pro81Leu (NM_001287802.2); c.581C>T (NM_003193.3); short protein forms P81L, P194L.
Identifiers: ClinVar variation 1386786 (VCV001386786.8), dbSNP rs182268162, ClinGen allele CA1464089.

ClinVar aggregate classification (germline): Uncertain significance. Review status: criteria provided, multiple submitters, no conflicts (2 of 4 stars). 5 submissions from 5 submitters: Uncertain significance (5). Last evaluated 2022-08-23.

Conditions:
Inborn genetic diseases. Identifiers: MedGen C0950123, MeSH D030342.
Autosomal recessive Kenny-Caffey syndrome (KCS1). Identifiers: Orphanet 2333, Orphanet 93324, MedGen C1855648, MONDO:0009486, OMIM 244460.
Hypoparathyroidism-retardation-dysmorphism syndrome (HRDS). Also called: SANJAD-SAKATI SYNDROME. Identifiers: Orphanet 2323, MedGen C1855840, MONDO:0009426, OMIM 241410.
Encephalopathy, progressive, with amyotrophy and optic atrophy (PEAMO). Identifiers: MedGen C4310667, MONDO:0014968, OMIM 617207.

Allele frequency attached by ClinVar (database versions not stated): ExAC 0.00004; gnomAD 0.00004 and 0.00003; gnomAD exomes 0.00006 and 0.00001; 1000 Genomes Project 30x 0.00031; 1000 Genomes Project 0.00040; TOPMed 0.00003.
gnomAD v4.1: 23 of 1,613,084 alleles (0.0014%); highest among the groups gnomAD compares: East Asian, 0.047%; no homozygotes.

Submissions (5):

Labcorp Genetics (formerly Invitae), Labcorp
Classification: Uncertain significance. Last evaluated: 2022-08-23. Review status: criteria provided, single submitter. Criteria: Invitae Variant Classification Sherloc (09022015). Collection method: clinical testing. Allele origin: germline.
Comment: This sequence change replaces proline, which is neutral and non-polar, with leucine, which is neutral and non-polar, at codon 194 of the TBCE protein (p.Pro194Leu). This variant is present in population databases (rs182268162, gnomAD 0.08%). This variant has not been reported in the literature in individuals affected with TBCE-related conditions. ClinVar contains an entry for this variant (Variation ID: 1386786). Algorithms developed to predict the effect of missense changes on protein structure and function are either unavailable or do not agree on the potential impact of this missense change (SIFT: "Deleterious"; PolyPhen-2: "Probably Damaging"; Align-GVGD: "Class C15"). Algorithms developed to predict the effect of sequence changes on RNA splicing suggest that this variant may create or strengthen a splice site. In summary, the available evidence is currently insufficient to determine the role of this variant in disease. Therefore, it has been classified as a Variant of Uncertain Significance.

Fulgent Genetics
Classification: Uncertain significance for Hypoparathyroidism-retardation-dysmorphism syndrome; Autosomal recessive Kenny-Caffey syndrome; Encephalopathy, progressive, with amyotrophy and optic atrophy. Last evaluated: 2022-05-02. Review status: criteria provided, single submitter. Criteria: ACMG Guidelines, 2015. Collection method: clinical testing. Allele origin: unknown.

Department of Pathology and Laboratory Medicine, Sinai Health System
Classification: Uncertain significance for Hypoparathyroidism-retardation-dysmorphism syndrome; Autosomal recessive Kenny-Caffey syndrome; Encephalopathy, progressive, with amyotrophy and optic atrophy. Last evaluated: 2021-08-11. Review status: criteria provided, single submitter. Criteria: ACMG Guidelines, 2015. Collection method: research. Allele origin: germline.

Ambry Genetics
Classification: Uncertain significance for Inborn genetic diseases. Last evaluated: 2021-04-20. Review status: criteria provided, single submitter. Criteria: Ambry Variant Classification Scheme 2023. Collection method: clinical testing. Allele origin: germline.
Comment: The c.581C>T (p.P194L) alteration is located in exon 7 (coding exon 6) of the TBCE gene. This alteration results from a C to T substitution at nucleotide position 581, causing the proline (P) at amino acid position 194 to be replaced by a leucine (L). The p.P194L alteration is predicted to be tolerated by in silico analysis. Based on insufficient or conflicting evidence, the clinical significance of this alteration remains unclear.

Juno Genomics, Hangzhou Juno Genomics, Inc
Classification: Uncertain significance for Encephalopathy, progressive, with amyotrophy and optic atrophy; Hypoparathyroidism-retardation-dysmorphism syndrome; Autosomal recessive Kenny-Caffey syndrome. Review status: criteria provided, single submitter. Criteria: ACMG Guidelines, 2015. Collection method: clinical testing. Allele origin: germline.
Comment: Absent from controls (or at extremely low frequency if recessive) in Genome Aggregation Database.;Multiple lines of computational evidence support a deleterious effect on the gene or gene product.